The following is an entry in ClinVar:

NM_003001.5(SDHC):c.346G>T (p.Ala116Ser)

Gene: SDHC (succinate dehydrogenase complex subunit C; plus strand). Cytogenetic location: 1q23.3.
Variant type: single nucleotide variant.
Coding change: c.346G>T on transcript NM_003001.5 (MANE Select); coding-DNA position 346, G replaced by T.
Protein change: p.Ala116Ser; replaces alanine 116 with serine.
Molecular consequence: missense variant. On other transcripts: non-coding transcript variant (1), intron variant (3).
Genome position (GRCh38, 1-based): chr1:161,356,781, G>T. VCF-style: chr1-161356781-G-T. GRCh37 (hg19) VCF-style: chr1-161326571-G-T.
Other names: c.244G>T, p.Ala82Ser (NM_001035512.3); c.187G>T, p.Ala63Ser (NM_001035513.3); c.466G>T, p.Ala156Ser (NM_001407115.1); c.289G>T, p.Ala97Ser (NM_001407116.1); c.283G>T, p.Ala95Ser (NM_001407117.1); c.238G>T, p.Ala80Ser (NM_001407118.1); c.235G>T, p.Ala79Ser (NM_001407119.1, NM_001407120.1); c.242-5548G>T (NM_001035511.3); and 2 more; short protein forms A82S, A156S, A95S, A97S, A116S, A79S, A63S, A80S.
Identifiers: ClinVar variation 5029330 (VCV005029330.1).

ClinVar aggregate classification (germline): Uncertain significance (1 of 4 stars; one submission).

Conditions:
Hereditary cancer-predisposing syndrome. Also called: Neoplastic Syndromes, Hereditary; Tumor predisposition; Hereditary neoplastic syndrome; Hereditary Cancer Syndrome. Identifiers: Orphanet 140162, MedGen C0027672, MeSH D009386, MONDO:0015356.

Submission:

Ambry Genetics
Classification: Uncertain significance for Hereditary cancer-predisposing syndrome. Last evaluated: 2026-07-07. Review status: criteria provided, single submitter. Criteria: Ambry Variant Classification Scheme 2023. Collection method: clinical testing. Allele origin: germline.
Comment: The p.A116S variant (also known as c.346G>T), located in coding exon 5 of the SDHC gene, results from a G to T substitution at nucleotide position 346. The alanine at codon 116 is replaced by serine, an amino acid with similar properties. This amino acid position is conserved. In addition, the in silico prediction for this alteration is inconclusive. Based on the available evidence, the clinical significance of this variant remains unclear.